The following is an entry in ClinVar:

NM_178857.6(RP1L1):c.6322G>A (p.Gly2108Arg)

Gene: RP1L1 (RP1 like 1). Cytogenetic location: 8p23.1.
Variant type: single nucleotide variant.
Coding change: c.6322G>A on transcript NM_178857.6 (MANE Select); coding-DNA position 6322, G replaced by A.
Protein change: p.Gly2108Arg; replaces glycine 2108 with arginine.
Molecular consequence: missense variant.
Genome position (GRCh38, 1-based): chr8:10,607,776, C>T on the plus strand (G>A on the coding strand, the complement: RP1L1 is on the minus strand). VCF-style: chr8-10607776-C-T. GRCh37 (hg19) VCF-style: chr8-10465286-C-T.
Other names: short protein forms G2108R.
Identifiers: ClinVar variation 361227 (VCV000361227.29), dbSNP rs187998469, ClinGen allele CA4623371.

ClinVar aggregate classification (germline): Conflicting classifications of pathogenicity. Review status: criteria provided, conflicting classifications (1 of 4 stars). 5 submissions from 5 submitters: Uncertain significance (1); Benign (2); Likely benign (2). Last evaluated 2024-07-16.

Conditions:
Occult macular dystrophy (OCMD). Also called: OMD; OCCULT MACULAR DYSTROPHY, SUSCEPTIBILITY TO. Identifiers: Orphanet 247834, MedGen C3150833, MONDO:0013316, OMIM 613587, HP:0030636.
Retinitis pigmentosa 88. Identifiers: MedGen C5394208, MONDO:0032940, OMIM 618826.
Retinal dystrophy. Also called: Inherited retinal dystrophy. Identifiers: Orphanet 71862, MedGen C0854723, MeSH D058499, MONDO:0019118, HP:0000556.

Allele frequency attached by ClinVar (database versions not stated): gnomAD 0.00005 and 0.00011; 1000 Genomes Project 30x 0.00062; 1000 Genomes Project 0.00080.

Submissions (5):

Blueprint Genetics
Classification: Likely benign. Last evaluated: 2024-07-16. Review status: criteria provided, single submitter. Criteria: ACMG Guidelines, 2015. Collection method: clinical testing. Allele origin: germline.

CeGaT Center for Human Genetics Tuebingen
Classification: Likely benign. Last evaluated: 2024-01-01. Review status: criteria provided, single submitter. Criteria: CeGaT Center For Human Genetics Tuebingen Variant Classification Criteria Version 2. Collection method: clinical testing. Allele origin: germline. Affected: yes. Observed: 1 variant allele.
Comment: RP1L1: BP4

Dept Of Ophthalmology, Nagoya University
Classification: Benign for Retinal dystrophy. Last evaluated: 2023-10-01. Review status: criteria provided, single submitter. Criteria: Submitter's publication. Collection method: research. Allele origin: germline. Affected: yes.

Department of Pathology and Laboratory Medicine, Sinai Health System
Classification: Uncertain significance for Occult macular dystrophy; Retinitis pigmentosa 88. Last evaluated: 2022-05-06. Review status: criteria provided, single submitter. Criteria: ACMG Guidelines, 2015. Collection method: research. Allele origin: germline.

Illumina Laboratory Services, Illumina
Classification: Benign for Occult macular dystrophy. Last evaluated: 2018-01-13. Review status: criteria provided, single submitter. Criteria: ICSL Variant Classification Criteria 13 December 2019. Collection method: clinical testing. Allele origin: germline.
Comment: This variant was observed in the ICSL laboratory as part of a predisposition screen in an ostensibly healthy population. It had not been previously curated by ICSL or reported in the Human Gene Mutation Database (HGMD: prior to June 1st, 2018), and was therefore a candidate for classification through an automated scoring system. Utilizing variant allele frequency, disease prevalence and penetrance estimates, and inheritance mode, an automated score was calculated to assess if this variant is too frequent to cause the disease. Based on the score and internal cut-off values, a variant classified as benign is not then subjected to further curation. The score for this variant resulted in a classification of benign for this disease.